The following is an entry in ClinVar:

NM_021167.5(GATAD1):c.104G>T (p.Gly35Val)

Genes: GATAD1 (GATA zinc finger domain containing 1; plus strand), LOC129998793 (ATAC-STARR-seq lymphoblastoid silent region 18371; plus strand). Cytogenetic location: 7q21.2.
Variant type: single nucleotide variant.
Coding change: c.104G>T on transcript NM_021167.5 (MANE Select); coding-DNA position 104, G replaced by T.
Protein change: p.Gly35Val; replaces glycine 35 with valine.
Molecular consequence: missense variant. On other transcripts: non-coding transcript variant (1).
Genome position (GRCh38, 1-based): chr7:92,447,833, G>T. VCF-style: chr7-92447833-G-T. GRCh37 (hg19) VCF-style: chr7-92077147-G-T.
Other names: short protein forms G35V.
Identifiers: ClinVar variation 2625760 (VCV002625760.3), dbSNP rs1467223682, ClinGen allele CA368155082.

ClinVar aggregate classification (germline): Uncertain significance. Review status: criteria provided, multiple submitters, no conflicts (2 of 4 stars). 2 submissions from 2 submitters: Uncertain significance (2). Last evaluated 2025-09-29.

Conditions:
Cardiovascular phenotype. Identifiers: MedGen CN230736.
Dilated cardiomyopathy 2B. Identifiers: Orphanet 154, MedGen C3553409, MONDO:0013848, OMIM 614672.

Allele frequency attached by ClinVar (database versions not stated): TOPMed below 0.00001.

Submissions (2):

Labcorp Genetics (formerly Invitae), Labcorp
Classification: Uncertain significance for Dilated cardiomyopathy 2B. Last evaluated: 2025-09-29. Review status: criteria provided, single submitter. Criteria: Invitae Variant Classification Sherloc (09022015). Collection method: clinical testing. Allele origin: germline.
Comment: This sequence change replaces glycine, which is neutral and non-polar, with valine, which is neutral and non-polar, at codon 35 of the GATAD1 protein (p.Gly35Val). This variant is not present in population databases (gnomAD no frequency). This variant has not been reported in the literature in individuals affected with GATAD1-related conditions. ClinVar contains an entry for this variant (Variation ID: 2625760). Invitae Evidence Modeling of protein sequence and biophysical properties (such as structural, functional, and spatial information, amino acid conservation, physicochemical variation, residue mobility, and thermodynamic stability) indicates that this missense variant is not expected to disrupt GATAD1 protein function with a negative predictive value of 80%. In summary, the available evidence is currently insufficient to determine the role of this variant in disease. Therefore, it has been classified as a Variant of Uncertain Significance.

Ambry Genetics
Classification: Uncertain significance for Cardiovascular phenotype. Last evaluated: 2023-07-29. Review status: criteria provided, single submitter. Criteria: Ambry Variant Classification Scheme 2023. Collection method: clinical testing. Allele origin: germline.
Comment: The p.G35V variant (also known as c.104G>T), located in coding exon 1 of the GATAD1 gene, results from a G to T substitution at nucleotide position 104. The glycine at codon 35 is replaced by valine, an amino acid with dissimilar properties. This amino acid position is conserved. In addition, the in silico prediction for this alteration is inconclusive. Since supporting evidence is limited at this time, the clinical significance of this alteration remains unclear.